The following is an entry in ClinVar:

ClinVar aggregate classification (germline): Uncertain significance (1 of 4 stars; one submission).

Conditions:
Hereditary nonpolyposis colorectal neoplasms. Identifiers: MedGen C0009405, MeSH D003123.

Submission:

Labcorp Genetics (formerly Invitae), Labcorp
Classification: Uncertain significance for Hereditary nonpolyposis colorectal neoplasms. Last evaluated: 2020-10-12. Review status: criteria provided, single submitter. Criteria: Invitae Variant Classification Sherloc (09022015). Collection method: clinical testing. Allele origin: germline.
Comment: In summary, the available evidence is currently insufficient to determine the role of this variant in disease. Therefore, it has been classified as a Variant of Uncertain Significance. Experimental studies and prediction algorithms are not available or were not evaluated, and the functional significance of this variant is currently unknown. This variant has not been reported in the literature in individuals with MSH6-related conditions. This variant is not present in population databases (ExAC no frequency). This variant occurs in a non-coding region of the MSH6 gene. It does not change the encoded amino acid sequence of the MSH6 protein.

NM_000179.3(MSH6):c.4029_*13dup (p.Ser1343_Ter1361=)

Gene: MSH6 (mutS homolog 6; plus strand). Cytogenetic location: 2p16.3.
Variant type: Duplication.
Coding change: c.4029_*13dup on transcript NM_000179.3 (MANE Select); coding-DNA position 4029 through 13 bases downstream of the stop codon, 68 bases duplicated.
Protein change: p.Ser1343_Ter1361=.
Molecular consequence: no sequence alteration. On other transcripts: 3 prime UTR variant (5), non-coding transcript variant (5).
Genome position (GRCh38, 1-based): chr2:47,806,806-47,806,873, 68 bases duplicated. GRCh37 (hg19): chr2:48,033,945-48,034,012.
Other names: c.3639_*13dup, p.Ser1213_Ter1231= (NM_001281492.2); c.3123_*13dup, p.Ser1041_Ter1059= (NM_001281493.2, NM_001281494.2, NM_001406811.1 and 6 more transcripts); c.4125_*13dup, p.Ser1375_Ter1393= (NM_001406795.1); c.4029_*13dup, p.Ser1343_Ter1361= (NM_001406796.1, NM_001406809.1); c.3732_*13dup, p.Ser1244_Ter1262= (NM_001406797.1, NM_001406805.1, NM_001406818.1 and 8 more transcripts); c.3855_*13dup, p.Ser1285_Ter1303= (NM_001406798.1); c.3504_*13dup, p.Ser1168_Ter1186= (NM_001406799.1, NM_001406806.1, NM_001406807.1); c.*50_*117dup (NM_001406800.1); and 9 more.
Identifiers: ClinVar variation 1036443 (VCV001036443.7), dbSNP rs1670214702, ClinGen allele CA2496054561.